The following is an entry in ClinVar:

NM_001159702.3(FHL1):c.871G>A (p.Ala291Thr)

Gene: FHL1 (four and a half LIM domains 1; plus strand). Cytogenetic location: Xq26.3.
Variant type: single nucleotide variant.
Coding change: c.871G>A on transcript NM_001159702.3 (MANE Plus Clinical); coding-DNA position 871, G replaced by A.
Protein change: p.Ala291Thr; replaces alanine 291 with threonine.
Molecular consequence: missense variant. On other transcripts: intron variant (11).
Genome position (GRCh38, 1-based): chrX:136,209,425, G>A. VCF-style: chrX-136209425-G-A. GRCh37 (hg19) VCF-style: chrX-135291584-G-A.
Other names: c.871G>A, p.Ala291Thr (NM_001369326.1, NM_001369327.2, NM_001369328.1); c.689-446G>A (NM_001449.5, NM_001369329.1, NM_001369330.1 and 4 more transcripts); c.502-446G>A (NM_001159703.2); c.776-446G>A (NM_001159701.2); c.737-446G>A (NM_001159699.2); c.550-446G>A (NM_001330659.2); short protein forms A291T.
Identifiers: ClinVar variation 3360462 (VCV003360462.2), dbSNP rs151315725.

ClinVar aggregate classification (germline): Conflicting classifications of pathogenicity. Review status: criteria provided, conflicting classifications (1 of 4 stars). 2 submissions from 2 submitters: Uncertain significance (1); Likely benign (1). Last evaluated 2025-04-09.

gnomAD v4.1: 3 of 1,210,738 alleles (0.00025%); highest among the groups gnomAD compares: Non-Finnish European, 0.00034%; no homozygotes.

Submissions (2):

Molecular Diagnostic Laboratory for Inherited Cardiovascular Disease, Montreal Heart Institute
Classification: Likely benign. Last evaluated: 2025-04-09. Review status: criteria provided, single submitter. Criteria: ACMG Guidelines, 2015. Collection method: clinical testing. Allele origin: germline. Affected: no.

GeneDx
Classification: Uncertain significance. Last evaluated: 2023-06-25. Review status: criteria provided, single submitter. Criteria: GeneDx Variant Classification Process June 2021. Collection method: clinical testing. Allele origin: germline. Affected: yes.
Comment: Not observed at significant frequency in large population cohorts (gnomAD); In silico analysis supports that this missense variant does not alter protein structure/function; Has not been previously published as pathogenic or benign to our knowledge; Reported using an alternate transcript of the gene